The following is an entry in ClinVar:

NM_174936.4(PCSK9):c.696G>A (p.Gly232=)

Gene: PCSK9 (proprotein convertase subtilisin/kexin type 9; plus strand). Cytogenetic location: 1p32.3.
Variant type: single nucleotide variant.
Coding change: c.696G>A on transcript NM_174936.4 (MANE Select); coding-DNA position 696, G replaced by A.
Protein change: p.Gly232=; no amino-acid change (glycine 232 retained).
Molecular consequence: synonymous variant. On other transcripts: non-coding transcript variant (8).
Genome position (GRCh38, 1-based): chr1:55,052,688, G>A. VCF-style: chr1-55052688-G-A. GRCh37 (hg19) VCF-style: chr1-55518361-G-A.
Other names: c.819G>A, p.Gly273= (NM_001407240.1); c.696G>A, p.Gly232= (NM_001407241.1, NM_001407244.1, NM_001407247.1); c.699G>A, p.Gly233= (NM_001407242.1); c.639G>A, p.Gly213= (NM_001407243.1); c.504G>A, p.Gly168= (NM_001407245.1); c.321G>A, p.Gly107= (NM_001407246.1).
Identifiers: ClinVar variation 3072868 (VCV003072868.1), dbSNP rs1644684361, ClinGen allele CA418180928.

ClinVar aggregate classification (germline): Likely benign (1 of 4 stars; one submission).

Conditions:
Hypercholesterolemia, autosomal dominant, 3 (FHCL3). Also called: Familial Hypercholesterolemia, Autosomal Dominant, 3; PCSK9-Related Familial Hypercholesterolemia, Autosomal Dominant; Familial hypercholesterolemia 3. Identifiers: MedGen C1863551, MONDO:0011369, OMIM 603776.

Submission:

All of Us Research Program, National Institutes of Health
Classification: Likely benign for Hypercholesterolemia, autosomal dominant, 3. Last evaluated: 2023-08-15. Review status: criteria provided, single submitter. Criteria: ACMG Guidelines, 2015. Collection method: clinical testing. Allele origin: germline. Inheritance: Autosomal dominant inheritance. Observed: 1 variant allele, 1 heterozygote.
Comment: This study involves interpretation of variants in research participants for the purpose of population health screening. Participant phenotype was not available at the time of variant classification. Additional details can be found in publication PMID: 35346344, PMCID: PMC8962531